The following is an entry in ClinVar:

ClinVar aggregate classification (germline): Conflicting classifications of pathogenicity. Review status: criteria provided, conflicting classifications (1 of 4 stars). 5 submissions from 5 submitters: Likely pathogenic (4); Uncertain significance (1). Last evaluated 2026-08-21.

Conditions:
Familial intrahepatic cholestasis. Identifiers: Orphanet 284385, MedGen CN296401, MONDO:0017290.
Benign recurrent intrahepatic cholestasis type 1. Also called: Mild-to-Moderate ATP8B1 Deficiency (Benign Recurrent Intrahepatic Cholestasis 1 [BRIC1]); SUMMERSKILL SYNDROME. Identifiers: Orphanet 65682, Orphanet 99960, MedGen C4551899, MONDO:0009469, OMIM 243300.
Progressive familial intrahepatic cholestasis type 1. Also called: Severe ATP8B1 Deficiency (Progressive Familial Intrahepatic Cholestasis Type 1 [PFIC1]); BYLER DISEASE; Byler's disease. Identifiers: Orphanet 79306, MedGen C4551898, MONDO:0008892, OMIM 211600.
Cholestasis, intrahepatic, of pregnancy, 1 (ICP1). Also called: CHOLESTASIS, PREGNANCY-RELATED, 1. Identifiers: Orphanet 69665, MedGen C3549845, MONDO:0007829, OMIM 147480.
ATP8B1-related disorder. Also called: ATP8B1-related disorders; ATP8B1-related condition.

Allele frequency attached by ClinVar (database versions not stated): gnomAD exomes 0.00001; TOPMed 0.00002.
gnomAD v4.1: 25 of 1,613,854 alleles (0.0015%); highest among the groups gnomAD compares: East Asian, 0.0022%; no homozygotes.

Submissions (5):

PreventionGenetics, part of Exact Sciences
Classification: Likely pathogenic for ATP8B1-related condition. Last evaluated: 2026-08-21. Review status: criteria provided, single submitter. Criteria: ACMG Guidelines, 2015. Collection method: clinical testing. Allele origin: germline.
Comment: The ATP8B1 c.2989G>A variant is predicted to result in the amino acid substitution p.Val997Met. This variant has been reported in combination with one or more ATP8B1 variants in three unrelated individuals with familial intrahepatic cholestasis type 1 (Table S1, van Wessel et al. 2021. PubMed ID: 33666275; Wang et al. 2025. PubMed ID: 40623935) in the compound heterozygous state in two relatives with cholestasis (Supplementary Table 2, Hertel et al. 2021. PubMed ID: 34016879), and in the compound heterozygous state in an individual with benign recurrent intrahepatic cholestasis (Miura et al. 2022. PubMed ID: 35431768). This variant is reported in 0.0015% of alleles in individuals of European (non-Finnish) descent in gnomAD and is classified as likely pathogenic by the majority of laboratories in ClinVar (Variation ID: 2679841). This variant is interpreted as likely pathogenic.

Genomenon, Inc
Classification: Uncertain significance for Familial intrahepatic cholestasis. Last evaluated: 2026-04-14. Review status: criteria provided, single submitter. Criteria: Genomenon Sequence Variant Interpretation Standards - Updated. Collection method: curation. Allele origin: germline. Affected: yes.
Comment: ATP8B1 p.Val997Met (c.2989G>A) is a missense variant that changes the amino acid at residue 997 from Valine to Methionine. This variant has been observed in at least one proband with features of ATP8B1-deficiency (PMID:35431768;33666275;34016879). It is absent or not present at a significant frequency in gnomAD. In silico models predict that this variant is possibly or probably damaging. In conclusion, we classify ATP8B1 p.Val997Met (c.2989G>A) as a variant of uncertain significance.

Fulgent Genetics
Classification: Likely pathogenic for Cholestasis, intrahepatic, of pregnancy, 1; Progressive familial intrahepatic cholestasis type 1; Benign recurrent intrahepatic cholestasis type 1. Last evaluated: 2024-05-24. Review status: criteria provided, single submitter. Criteria: ACMG Guidelines, 2015. Collection method: clinical testing. Allele origin: germline.

Baylor Genetics
Classification: Likely pathogenic for Benign recurrent intrahepatic cholestasis type 1. Last evaluated: 2024-03-17. Review status: criteria provided, single submitter. Criteria: ACMG Guidelines, 2015. Collection method: clinical testing. Allele origin: unknown.

Labcorp Genetics (formerly Invitae), Labcorp
Classification: Likely pathogenic. Last evaluated: 2024-02-02. Review status: criteria provided, single submitter. Criteria: Invitae Variant Classification Sherloc (09022015). Collection method: clinical testing. Allele origin: germline.
Comment: This sequence change replaces valine, which is neutral and non-polar, with methionine, which is neutral and non-polar, at codon 997 of the ATP8B1 protein (p.Val997Met). This variant is present in population databases (no rsID available, gnomAD 0.002%). This missense change has been observed in individuals with benign recurrent intrahepatic cholestasis and/or progressive familial intrahepatic cholestasis type 1 (PMID: 33666275, 34016879, 35431768). Advanced modeling of protein sequence and biophysical properties (such as structural, functional, and spatial information, amino acid conservation, physicochemical variation, residue mobility, and thermodynamic stability) performed at Invitae indicates that this missense variant is expected to disrupt ATP8B1 protein function with a positive predictive value of 80%. In summary, the currently available evidence indicates that the variant is pathogenic, but additional data are needed to prove that conclusively. Therefore, this variant has been classified as Likely Pathogenic.

Literature cited by the submitters: PubMed 35431768 (cited by Genomenon, Inc and Labcorp Genetics (formerly Invitae), Labcorp); PubMed 33666275 (cited by Genomenon, Inc and Labcorp Genetics (formerly Invitae), Labcorp); PubMed 34016879 (cited by Genomenon, Inc and Labcorp Genetics (formerly Invitae), Labcorp).

NM_001374385.1(ATP8B1):c.2989G>A (p.Val997Met)

Genes: ATP8B1 (ATPase phospholipid transporting 8B1; minus strand), ATP8B1-AS1 (ATP8B1 antisense RNA 1; plus strand). Cytogenetic location: 18q21.31.
Variant type: single nucleotide variant.
Coding change: c.2989G>A on transcript NM_001374385.1 (MANE Select); coding-DNA position 2989, G replaced by A.
Protein change: p.Val997Met; replaces valine 997 with methionine.
Molecular consequence: missense variant.
Genome position (GRCh38, 1-based): chr18:57,654,018, C>T on the plus strand (G>A on the coding strand, the complement: ATP8B1 is on the minus strand). VCF-style: chr18-57654018-C-T. GRCh37 (hg19) VCF-style: chr18-55321250-C-T.
Other names: c.2839G>A, p.Val947Met (NM_001374386.1); c.2989G>A, p.Val997Met (NM_005603.6); c.2989G>A (NM_005603.4); short protein forms V947M, V997M.
Identifiers: ClinVar variation 2679841 (VCV002679841.8), dbSNP rs1350129130, ClinGen allele CA402545217.